The following is an entry in ClinVar:

ClinVar aggregate classification (germline): Benign/Likely benign. Review status: criteria provided, multiple submitters, no conflicts (2 of 4 stars). 2 submissions from 2 submitters: Benign (1); Likely benign (1). Last evaluated 2025-02-10.

Conditions:
Hereditary cancer-predisposing syndrome. Also called: Hereditary Cancer Syndrome; Hereditary neoplastic syndrome; Neoplastic Syndromes, Hereditary; Tumor predisposition. Identifiers: Orphanet 140162, MedGen C0027672, MeSH D009386, MONDO:0015356.
Colorectal cancer, susceptibility to, 12 (CRCS12). Also called: COLORECTAL CANCER, SUSCEPTIBILITY TO, ON CHROMOSOME 12q24. Identifiers: Orphanet 220460, MedGen C3554460, MONDO:0014038, OMIM 615083.

Submissions (2):

Myriad Genetics, Inc.
Classification: Benign for Colorectal cancer, susceptibility to, 12. Last evaluated: 2025-02-10. Review status: criteria provided, single submitter. Criteria: Myriad Autosomal Dominant, Autosomal Recessive and X-Linked Classification Criteria (2023). Collection method: clinical testing. Allele origin: unknown.
Comment: This variant is considered benign. This variant is a silent/synonymous amino acid change and it is not expected to impact splicing.

Ambry Genetics
Classification: Likely benign for Hereditary cancer-predisposing syndrome. Last evaluated: 2022-05-26. Review status: criteria provided, single submitter. Criteria: Ambry Variant Classification Scheme 2023. Collection method: clinical testing. Allele origin: germline.

NM_006231.4(POLE):c.1294C>T (p.Leu432=)

Gene: POLE (DNA polymerase epsilon, catalytic subunit; minus strand). Cytogenetic location: 12q24.33.
Variant type: single nucleotide variant.
Coding change: c.1294C>T on transcript NM_006231.4 (MANE Select); coding-DNA position 1294, C replaced by T.
Protein change: p.Leu432=; no amino-acid change (leucine 432 retained).
Molecular consequence: synonymous variant.
Genome position (GRCh38, 1-based): chr12:132,673,640, G>A on the plus strand (C>T on the coding strand, the complement: POLE is on the minus strand). VCF-style: chr12-132673640-G-A. GRCh37 (hg19) VCF-style: chr12-133250226-G-A.
Identifiers: ClinVar variation 1769177 (VCV001769177.3), dbSNP rs750475909, ClinGen allele CA482722797.